The following is an entry in ClinVar:

NM_002633.3(PGM1):c.1378_1379del (p.Ala461fs)

Gene: PGM1 (phosphoglucomutase 1; plus strand). Cytogenetic location: 1p31.3.
Variant type: Microsatellite.
Coding change: c.1378_1379del on transcript NM_002633.3 (MANE Select); coding-DNA positions 1378 to 1379, 2 bases deleted (TC; older notation c.1378_1379delTC).
Protein change: p.Ala461fs; shifts the reading frame from alanine 461.
Molecular consequence: frameshift variant.
Genome position (GRCh38, 1-based): chr1:63,651,766-63,651,767, TC deleted; deleting any 2 consecutive bases within chr1:63,651,764-63,651,767 gives the same sequence; the c. name uses the placement nearest the transcript's 3' end. VCF-style (leftmost placement, unchanged base first): chr1-63651763-TTC-T. GRCh37 (hg19) VCF-style: chr1-64117434-TTC-T.
Other names: c.1378_1379del (NM_002633.2); c.1432_1433del, p.Ala479fs (NM_001172818.1); c.787_788del, p.Ala264fs (NM_001172819.2); c.1378_1379delTC (NM_002633.3); short protein forms A461fs, A264fs, A479fs.
Identifiers: ClinVar variation 645088 (VCV000645088.17), dbSNP rs763428801, ClinGen allele CA23836378.
Genomic context (GRCh38, chr1:63,651,763, plus strand): 5'-AACAAAATGATGAAGGACTTGGAGGCCCTGATGTTTGATCGCTCCTTTGTGGGGAAGCAG[TTC>T]TCAGCAAATGACAAAGTTTACACTGTGGAGAAGGCCGATAACTTTGAATACAGCGACCCA-3'

ClinVar aggregate classification (germline): Pathogenic. Review status: criteria provided, multiple submitters, no conflicts (2 of 4 stars). 7 submissions from 7 submitters: Pathogenic (5). 2 of the submissions do not count toward it. Last evaluated 2026-03-06.

Conditions:
Inborn genetic diseases. Identifiers: MedGen C0950123, MeSH D030342.
PGM1-congenital disorder of glycosylation. Also called: Congenital disorder of glycosylation type 1t; PHOSPHOGLUCOMUTASE 1 DEFICIENCY; PGM1 DEFICIENCY; GLYCOGEN STORAGE DISEASE XIV; GSD XIV; CDG It. Identifiers: Orphanet 319646, MedGen C2752015, MONDO:0013968, OMIM 614921.

Submissions (7):

GeneDx
Classification: Pathogenic. Last evaluated: 2026-03-06. Review status: criteria provided, single submitter. Criteria: GeneDx Variant Classification Process June 2021. Collection method: clinical testing. Allele origin: germline.
Comment: Frameshift variant predicted to result in protein truncation or nonsense mediated decay in a gene for which loss of function is a known mechanism of disease; Not observed at significant frequency in large population cohorts (gnomAD); This variant is associated with the following publications: (PMID: 33342467, 22492991)

CeGaT Center for Human Genetics Tuebingen
Classification: Pathogenic. Last evaluated: 2026-03-01. Review status: criteria provided, single submitter. Criteria: CeGaT Center For Human Genetics Tuebingen Variant Classification Criteria Version 2. Collection method: clinical testing. Allele origin: germline. Affected: yes. Observed: 1 variant allele.
Comment: PGM1: PVS1, PM2, PM3, PP4

Labcorp Genetics (formerly Invitae), Labcorp
Classification: Pathogenic for PGM1-congenital disorder of glycosylation. Last evaluated: 2025-10-09. Review status: criteria provided, single submitter. Criteria: Invitae Variant Classification Sherloc (09022015). Collection method: clinical testing. Allele origin: germline.
Comment: This sequence change creates a premature translational stop signal (p.Ala461Lysfs*2) in the PGM1 gene. It is expected to result in an absent or disrupted protein product. Loss-of-function variants in PGM1 are known to be pathogenic (PMID: 22492991). This variant is present in population databases (rs763428801, gnomAD 0.003%). This variant has not been reported in the literature in individuals affected with PGM1-related conditions. For these reasons, this variant has been classified as Pathogenic.

Variantyx, Inc.
Classification: Pathogenic for PGM1-congenital disorder of glycosylation. Last evaluated: 2025-05-08. Review status: criteria provided, single submitter. Criteria: Variantyx Assertion Criteria 2022. Collection method: clinical testing. Allele origin: germline. Inheritance: Autosomal recessive inheritance. Affected: yes.
Comment: This is a frameshift variant in the PGM1 gene (OMIM: 171900). Pathogenic variants in this gene have been associated with autosomal recessive congenital disorder of glycosylation, type It. This variant introduces a premature termination codon in exon 9 out of 11 and is expected to result in loss of function, which is a known disease mechanism for PGM1 in this disorder (PMID: 22492991) (PVS1). The clinical symptoms reported for this individual are highly specific for autosomal recessive congenital disorder of glycosylation, type It, which has a limited genetic etiology (PP4). It has a 0.0022% maximum allele frequency in non-founder control populations (PM2). Based on the current evidence, this variant is classified as pathogenic for autosomal recessive congenital disorder of glycosylation, type It.

Ambry Genetics
Classification: Pathogenic for Inborn genetic diseases. Last evaluated: 2018-08-17. Review status: criteria provided, single submitter. Criteria: Ambry exome assertion method (8-5-2015). Collection method: clinical testing. Allele origin: germline. Affected: yes. Observed: 1 variant allele.

OMIM
Classification: Pathogenic for CONGENITAL DISORDER OF GLYCOSYLATION, TYPE It. Last evaluated: 2021-04-20. Review status: no assertion criteria provided. Collection method: literature only. Allele origin: germline. Not counted in ClinVar's aggregate classification.

Genomics And Bioinformatics Analysis Resource, Columbia University
Classification: Likely pathogenic for PGM1-congenital disorder of glycosylation. Review status: no assertion criteria provided. Collection method: research. Allele origin: unknown. Affected: yes. Not counted in ClinVar's aggregate classification.
Comment: Compound Heterozygous

Literature cited by the submitters: PubMed 22492991 (cited by Labcorp Genetics (formerly Invitae), Labcorp and Variantyx, Inc.); PubMed 33342467 (cited by Variantyx, Inc. and OMIM).